The following is an entry in ClinVar:

NM_001267550.2(TTN):c.31832C>G (p.Ala10611Gly)

Gene: TTN (titin; minus strand). Cytogenetic location: 2q31.2.
Variant type: single nucleotide variant.
Coding change: c.31832C>G on transcript NM_001267550.2 (MANE Select); coding-DNA position 31832, C replaced by G.
Protein change: p.Ala10611Gly; replaces alanine 10611 with glycine.
Molecular consequence: missense variant. On other transcripts: intron variant (3).
Genome position (GRCh38, 1-based): chr2:178,689,827, G>C on the plus strand (C>G on the coding strand, the complement: TTN is on the minus strand). VCF-style: chr2-178689827-G-C. GRCh37 (hg19) VCF-style: chr2-179554554-G-C.
Other names: c.30881C>G, p.Ala10294Gly (NM_001256850.1); c.13283-47510C>G (NM_003319.4); c.13859-47510C>G (NM_133437.4); c.13658-47510C>G (NM_133432.3); c.28100C>G, p.Ala9367Gly (NM_133378.4); short protein forms A10611G, A9367G, A10294G.
Identifiers: ClinVar variation 166115 (VCV000166115.5), dbSNP rs727503637, ClinGen allele CA178913.

ClinVar aggregate classification (germline): Uncertain significance (1 of 4 stars; one submission).

Allele frequency attached by ClinVar (database versions not stated): gnomAD exomes 0.00001; TOPMed 0.00002 and 0.00001.
gnomAD v4.1: 11 of 1,611,164 alleles (0.00068%); highest among the groups gnomAD compares: Admixed American, 0.0084%; no homozygotes.

Submission:

Laboratory for Molecular Medicine, Mass General Brigham Personalized Medicine
Classification: Uncertain significance. Last evaluated: 2013-10-14. Review status: criteria provided, single submitter. Criteria: LMM Criteria. Collection method: clinical testing. Allele origin: germline. Observed: 1 variant allele.
Comment: The Ala9367Gly variant in TTN has not been previously reported in individuals wi th cardiomyopathy or in large population studies. Alanine (Ala) at position 9367 is not conserved in mammals or more evolutionarily distant species, suggesting a change at this position may be tolerated. Additional computational analyses (b iochemical amino acid properties, AlignGVGD, PolyPhen2, and SIFT) do not provide strong support for or against an impact to the protein. Additional information is needed to fully assess the clinical significance of this variant.